The following is an entry in ClinVar:

ClinVar aggregate classification (germline): Uncertain significance (1 of 4 stars; one submission).

Conditions:
SNRNP200-related disorder. Also called: SNRNP200-related condition.

Submission:

PreventionGenetics, part of Exact Sciences
Classification: Uncertain significance for SNRNP200-related condition. Last evaluated: 2025-11-13. Review status: criteria provided, single submitter. Criteria: ACMG Guidelines, 2015. Collection method: clinical testing. Allele origin: germline.
Comment: The SNRNP200 c.3697A>G variant is predicted to result in the amino acid substitution p.Ile1233Val. To our knowledge, this variant has not been reported in the literature. This variant is reported in 0.00088% of alleles in individuals of European (Non-Finnish) descent in gnomAD. At this time, the clinical significance of this variant is uncertain due to the absence of conclusive functional and genetic evidence.

NM_014014.5(SNRNP200):c.3697A>G (p.Ile1233Val)

Gene: SNRNP200 (small nuclear ribonucleoprotein U5 subunit 200; minus strand). Cytogenetic location: 2q11.2.
Variant type: single nucleotide variant.
Coding change: c.3697A>G on transcript NM_014014.5 (MANE Select); coding-DNA position 3697, A replaced by G.
Protein change: p.Ile1233Val; replaces isoleucine 1233 with valine.
Molecular consequence: missense variant.
Genome position (GRCh38, 1-based): chr2:96,286,820, T>C on the plus strand (A>G on the coding strand, the complement: SNRNP200 is on the minus strand). VCF-style: chr2-96286820-T-C. GRCh37 (hg19) VCF-style: chr2-96952558-T-C.
Other names: short protein forms I1233V.
Identifiers: ClinVar variation 4985440 (VCV004985440.1).